The following is an entry in ClinVar:

NM_000388.4(CASR):c.1573G>A (p.Glu525Lys)

Gene: CASR (calcium sensing receptor; plus strand). Cytogenetic location: 3q21.1.
Variant type: single nucleotide variant.
Coding change: c.1573G>A on transcript NM_000388.4 (MANE Select); coding-DNA position 1573, G replaced by A.
Protein change: p.Glu525Lys; replaces glutamic acid 525 with lysine.
Molecular consequence: missense variant.
Genome position (GRCh38, 1-based): chr3:122,276,007, G>A. VCF-style: chr3-122276007-G-A. GRCh37 (hg19) VCF-style: chr3-121994854-G-A.
Other names: c.1573G>A, p.Glu525Lys (NM_001178065.2); c.1573G>A (NM_001178065.1); short protein forms E525K.
Identifiers: ClinVar variation 463907 (VCV000463907.15), dbSNP rs199688157, ClinGen allele CA2569681.

ClinVar aggregate classification (germline): Conflicting classifications of pathogenicity. Review status: criteria provided, conflicting classifications (1 of 4 stars). 3 submissions from 3 submitters: Uncertain significance (1); Likely benign (1). 1 of the submissions does not count toward it. Last evaluated 2024-05-21.

Conditions:
CASR-related disorder. Also called: CASR-related condition.
Familial hypocalciuric hypercalcemia (FHH). Also called: Familial benign hypercalcemia. Identifiers: Orphanet 405, MedGen C1809471, MONDO:0018458.
Autosomal dominant hypocalcemia 1 (HYPOC1). Also called: HYPOCALCEMIA, FAMILIAL. Identifiers: MedGen C3715128, MONDO:0011013, OMIM 601198.
Nephrolithiasis/nephrocalcinosis. Identifiers: MedGen CN580796.

Allele frequency attached by ClinVar (database versions not stated): gnomAD 0.00001 and 0.00002; gnomAD exomes 0.00001; ExAC 0.00002; TOPMed 0.00002.

Submissions (3):

Labcorp Genetics (formerly Invitae), Labcorp
Classification: Likely benign for Familial hypocalciuric hypercalcemia; Autosomal dominant hypocalcemia 1. Last evaluated: 2024-05-21. Review status: criteria provided, single submitter. Criteria: Invitae Variant Classification Sherloc (09022015). Collection method: clinical testing. Allele origin: germline.

Ambry Genetics
Classification: Uncertain significance for Nephrolithiasis/nephrocalcinosis. Last evaluated: 2023-06-17. Review status: criteria provided, single submitter. Criteria: Ambry Variant Classification Scheme 2023. Collection method: clinical testing. Allele origin: germline.
Comment: The p.E525K variant (also known as c.1573G>A), located in coding exon 4 of the CASR gene, results from a G to A substitution at nucleotide position 1573. The glutamic acid at codon 525 is replaced by lysine, an amino acid with similar properties. This amino acid position is not well conserved in available vertebrate species, and lysine is the reference amino acid in other vertebrate species. In addition, the in silico prediction for this alteration is inconclusive. Since supporting evidence is limited at this time, the clinical significance of this alteration remains unclear.

PreventionGenetics, part of Exact Sciences
Classification: Uncertain significance for CASR-related condition. Last evaluated: 2024-05-17. Review status: no assertion criteria provided. Collection method: clinical testing. Allele origin: germline. Not counted in ClinVar's aggregate classification.
Comment: The CASR c.1573G>A variant is predicted to result in the amino acid substitution p.Glu525Lys. To our knowledge, this variant has not been reported in the literature. This variant is reported in 0.0039% of alleles in individuals of European (non-Finnish) descent in gnomAD. At this time, the clinical significance of this variant is uncertain due to the absence of conclusive functional and genetic evidence.